The following is an entry in ClinVar:

ClinVar aggregate classification (germline): Uncertain significance. Review status: criteria provided, multiple submitters, no conflicts (2 of 4 stars). 3 submissions from 3 submitters: Uncertain significance (3). Last evaluated 2025-12-01.

Conditions:
Hereditary cancer-predisposing syndrome. Also called: Neoplastic Syndromes, Hereditary; Hereditary Cancer Syndrome; Hereditary neoplastic syndrome; Tumor predisposition. Identifiers: Orphanet 140162, MedGen C0027672, MeSH D009386, MONDO:0015356.
Oligodontia-cancer predisposition syndrome. Also called: TOOTH AGENESIS-COLORECTAL CANCER SYNDROME. Identifiers: Orphanet 300576, MedGen C1837750, MONDO:0012075, OMIM 608615. Disease mechanism: loss of function.

Allele frequency attached by ClinVar (database versions not stated): gnomAD exomes below 0.00001.
gnomAD v4.1: 2 of 1,611,084 alleles (0.00012%); highest among the groups gnomAD compares: Non-Finnish European, 0.000085%; no homozygotes.

Submissions (3):

Dasa
Classification: Uncertain significance. Last evaluated: 2025-12-01. Review status: criteria provided, single submitter. Criteria: DASA Assertion Criteria. Collection method: clinical testing. Allele origin: germline.
Comment: NM_004655.4(AXIN2):c.907T>C (p.Ser303Pro) is a missense variant that results in the substitution of serine with proline. This variant is rare in population databases. Computational prediction algorithms are consistent with a deleterious effect. The currently available literature and clinical evidence are not sufficient to establish a definitive association between this variant and the reported condition. Therefore, this variant is classified as a variant of uncertain significance.

Labcorp Genetics (formerly Invitae), Labcorp
Classification: Uncertain significance for Oligodontia-cancer predisposition syndrome. Last evaluated: 2025-08-13. Review status: criteria provided, single submitter. Criteria: Invitae Variant Classification Sherloc (09022015). Collection method: clinical testing. Allele origin: germline.
Comment: This sequence change replaces serine, which is neutral and polar, with proline, which is neutral and non-polar, at codon 303 of the AXIN2 protein (p.Ser303Pro). This variant is not present in population databases (gnomAD no frequency). This variant has not been reported in the literature in individuals affected with AXIN2-related conditions. ClinVar contains an entry for this variant (Variation ID: 580812). Invitae Evidence Modeling of protein sequence and biophysical properties (such as structural, functional, and spatial information, amino acid conservation, physicochemical variation, residue mobility, and thermodynamic stability) indicates that this missense variant is expected to disrupt AXIN2 protein function with a positive predictive value of 80%. In summary, the available evidence is currently insufficient to determine the role of this variant in disease. Therefore, it has been classified as a Variant of Uncertain Significance.

Ambry Genetics
Classification: Uncertain significance for Hereditary cancer-predisposing syndrome. Last evaluated: 2025-07-28. Review status: criteria provided, single submitter. Criteria: Ambry Variant Classification Scheme 2023. Collection method: clinical testing. Allele origin: germline.
Comment: The p.S303P variant (also known as c.907T>C), located in coding exon 2 of the AXIN2 gene, results from a T to C substitution at nucleotide position 907. The serine at codon 303 is replaced by proline, an amino acid with similar properties. This amino acid position is conserved. In addition, this alteration is predicted to be deleterious by in silico analysis. Since supporting evidence is limited at this time, the clinical significance of this alteration remains unclear.

NM_004655.4(AXIN2):c.907T>C (p.Ser303Pro)

Gene: AXIN2 (axin 2; minus strand). Cytogenetic location: 17q24.1.
Variant type: single nucleotide variant.
Coding change: c.907T>C on transcript NM_004655.4 (MANE Select); coding-DNA position 907, T replaced by C.
Protein change: p.Ser303Pro; replaces serine 303 with proline.
Molecular consequence: missense variant.
Genome position (GRCh38, 1-based): chr17:65,549,569, A>G on the plus strand (T>C on the coding strand, the complement: AXIN2 is on the minus strand). VCF-style: chr17-65549569-A-G. GRCh37 (hg19) VCF-style: chr17-63545687-A-G.
Other names: c.907T>C, p.Ser303Pro (NM_001363813.1); c.907T>C (LRG_296t1); short protein forms S303P.
Identifiers: ClinVar variation 580812 (VCV000580812.14), dbSNP rs1567763495, ClinGen allele CA400679520.